The following is an entry in ClinVar:

NM_201384.3(PLEC):c.176C>T (p.Ala59Val)

Gene: PLEC (plectin; minus strand). Cytogenetic location: 8q24.3.
Variant type: single nucleotide variant.
Coding change: c.176C>T on transcript NM_201384.3 (MANE Select); coding-DNA position 176, C replaced by T.
Protein change: p.Ala59Val; replaces alanine 59 with valine.
Molecular consequence: missense variant.
Genome position (GRCh38, 1-based): chr8:143,938,239, G>A on the plus strand (C>T on the coding strand, the complement: PLEC is on the minus strand). VCF-style: chr8-143938239-G-A. GRCh37 (hg19) VCF-style: chr8-145012407-G-A.
Other names: c.257C>T, p.Ala86Val (NM_000445.5); c.134C>T, p.Ala45Val (NM_201378.4); c.110C>T, p.Ala37Val (NM_201379.3); c.587C>T, p.Ala196Val (NM_201380.4); c.80C>T, p.Ala27Val (NM_201381.3); c.176C>T, p.Ala59Val (NM_201382.4); c.188C>T, p.Ala63Val (NM_201383.3); short protein forms A37V, A63V, A59V, A86V, A27V, A196V, A45V.
Identifiers: ClinVar variation 471555 (VCV000471555.4), dbSNP rs530919504, ClinGen allele CA4928576.

ClinVar aggregate classification (germline): Uncertain significance. Review status: criteria provided, multiple submitters, no conflicts (2 of 4 stars). 3 submissions from 3 submitters: Uncertain significance (3). Last evaluated 2026-06-22.

Conditions:
PLEC-related disorder. Also called: PLEC-related disorders; PLEC-related condition.
Autosomal recessive limb-girdle muscular dystrophy type 2Q (LGMDR17). Also called: MUSCULAR DYSTROPHY, LIMB-GIRDLE, AUTOSOMAL RECESSIVE 17. Identifiers: Orphanet 254361, MedGen C3150989, MONDO:0013390, OMIM 613723.
Epidermolysis bullosa simplex with nail dystrophy (EBS5D). Identifiers: MedGen C4225309, MONDO:0014661, OMIM 616487.
Epidermolysis bullosa simplex 5C, with pyloric atresia (EBS5C). Also called: PLEC-Related Epidermolysis Bullosa with Pyloric Atresia; Epidermolysis bullosa simplex with pyloric atresia; PLEC1-Related Epidermolysis Bullosa with Pyloric Atresia. Identifiers: Orphanet 158684, MedGen C2677349, MONDO:0012807, OMIM 612138.
Epidermolysis bullosa simplex, Ogna type (EBS5A). Also called: Pidermolysis bullosa simplex 5A, Ogna type; EPIDERMOLYSIS BULLOSA SIMPLEX 5A, OGNA TYPE. Identifiers: Orphanet 79401, MedGen C0432317, MONDO:0007555, OMIM 131950.
Epidermolysis bullosa simplex 5B, with muscular dystrophy (EBS5B). Also called: EPIDERMOLYSIS BULLOSA SIMPLEX AND LIMB-GIRDLE MUSCULAR DYSTROPHY; Epidermolysis bullosa simplex with muscular dystrophy. Identifiers: Orphanet 257, MedGen C2931072, MONDO:0009181, OMIM 226670.

Allele frequency attached by ClinVar (database versions not stated): gnomAD exomes below 0.00001; gnomAD 0.00001; ExAC 0.00002; 1000 Genomes Project 30x 0.00016; 1000 Genomes Project 0.00020.
gnomAD v4.1: 5 of 1,598,506 alleles (0.00031%); highest among the groups gnomAD compares: Middle Eastern, 0.05%; no homozygotes.

Submissions (3):

PreventionGenetics, part of Exact Sciences
Classification: Uncertain significance for PLEC-related condition. Last evaluated: 2026-06-22. Review status: criteria provided, single submitter. Criteria: ACMG Guidelines, 2015. Collection method: clinical testing. Allele origin: germline.
Comment: The PLEC c.257C>T variant is predicted to result in the amino acid substitution p.Ala86Val. To our knowledge, this variant has not been reported in the literature. This variant is reported in 0.0036% of alleles in individuals of South Asian descent in gnomAD. At this time, the clinical significance of this variant is uncertain due to the absence of conclusive functional and genetic evidence.

Athena Diagnostics
Classification: Uncertain significance. Last evaluated: 2021-06-02. Review status: criteria provided, single submitter. Criteria: Athena Diagnostics Criteria. Collection method: clinical testing. Allele origin: unknown.

Labcorp Genetics (formerly Invitae), Labcorp
Classification: Uncertain significance for Autosomal recessive limb-girdle muscular dystrophy type 2Q; Epidermolysis bullosa simplex, Ogna type; Epidermolysis bullosa simplex with nail dystrophy; Epidermolysis bullosa simplex 5C, with pyloric atresia; Epidermolysis bullosa simplex 5B, with muscular dystrophy. Last evaluated: 2016-10-09. Review status: criteria provided, single submitter. Criteria: Invitae Variant Classification Sherloc (09022015). Collection method: clinical testing. Allele origin: germline.
Comment: This sequence change replaces alanine with valine at codon 86 of the PLEC protein (p.Ala86Val). The alanine residue is highly conserved and there is a small physicochemical difference between alanine and valine. This variant is present in population databases (rs530919504, ExAC 0.009%) but has not been reported in the literature in individuals with a PLEC-related disease. Algorithms developed to predict the effect of missense changes on protein structure and function (SIFT, PolyPhen-2, Align-GVGD) all suggest that this variant is likely to be tolerated, but these predictions have not been confirmed by published functional studies. In summary, this variant is a rare missense change that is not predicted to affect protein function. There is no indication that it causes disease, but the available evidence is currently insufficient to prove that conclusively. Therefore, it has been classified as a Variant of Uncertain Significance.